The following is an entry in ClinVar:

ClinVar aggregate classification (germline): Uncertain significance (1 of 4 stars; one submission).

Submission:

Labcorp Genetics (formerly Invitae), Labcorp
Classification: Uncertain significance. Last evaluated: 2024-02-23. Review status: criteria provided, single submitter. Criteria: Invitae Variant Classification Sherloc (09022015). Collection method: clinical testing. Allele origin: germline.
Comment: This sequence change replaces methionine, which is neutral and non-polar, with isoleucine, which is neutral and non-polar, at codon 1347 of the C3 protein (p.Met1347Ile). This variant is present in population databases (no rsID available, gnomAD 0.003%). This variant has not been reported in the literature in individuals affected with C3-related conditions. Advanced modeling of protein sequence and biophysical properties (such as structural, functional, and spatial information, amino acid conservation, physicochemical variation, residue mobility, and thermodynamic stability) performed at Invitae indicates that this missense variant is not expected to disrupt C3 protein function with a negative predictive value of 80%. In summary, the available evidence is currently insufficient to determine the role of this variant in disease. Therefore, it has been classified as a Variant of Uncertain Significance.

NM_000064.4(C3):c.4041G>C (p.Met1347Ile)

Gene: C3 (complement C3; minus strand). Cytogenetic location: 19p13.3.
Variant type: single nucleotide variant.
Coding change: c.4041G>C on transcript NM_000064.4 (MANE Select); coding-DNA position 4041, G replaced by C.
Protein change: p.Met1347Ile; replaces methionine 1347 with isoleucine.
Molecular consequence: missense variant.
Genome position (GRCh38, 1-based): chr19:6,684,639, C>G on the plus strand (G>C on the coding strand, the complement: C3 is on the minus strand). VCF-style: chr19-6684639-C-G. GRCh37 (hg19) VCF-style: chr19-6684650-C-G.
Other names: short protein forms M1347I.
Identifiers: ClinVar variation 3678248 (VCV003678248.2).